The following is an entry in ClinVar:

ClinVar aggregate classification (germline): Uncertain significance (1 of 4 stars; one submission).

Conditions:
Developmental and epileptic encephalopathy, 87. Also called: EPILEPTIC ENCEPHALOPATHY, EARLY INFANTILE, 87. Identifiers: MedGen C5394501, MONDO:0030059, OMIM 618916.

Submission:

3billion
Classification: Uncertain significance for Developmental and epileptic encephalopathy, 87. Last evaluated: 2025-02-24. Review status: criteria provided, single submitter. Criteria: ACMG Guidelines, 2015. Collection method: clinical testing. Allele origin: germline. Affected: yes.
Comment: The variant is not observed in the gnomAD v4.1.0 dataset. Predicted Consequence/Location: Missense variant. Missense changes are a common disease-causing mechanism. Therefore, this variant is classified as VUS according to the recommendation of ACMG/AMP guideline.

NM_015076.5(CDK19):c.640G>A (p.Ala214Thr)

Gene: CDK19 (cyclin dependent kinase 19; minus strand). Cytogenetic location: 6q21.
Variant type: single nucleotide variant.
Coding change: c.640G>A on transcript NM_015076.5 (MANE Select); coding-DNA position 640, G replaced by A.
Protein change: p.Ala214Thr; replaces alanine 214 with threonine.
Molecular consequence: missense variant. On other transcripts: intron variant (1).
Genome position (GRCh38, 1-based): chr6:110,632,036, C>T on the plus strand (G>A on the coding strand, the complement: CDK19 is on the minus strand). VCF-style: chr6-110632036-C-T. GRCh37 (hg19) VCF-style: chr6-110953239-C-T.
Other names: c.460G>A, p.Ala154Thr (NM_001300963.2, NM_001300964.2); c.515-4891G>A (NM_001300960.2); short protein forms A154T, A214T.
Identifiers: ClinVar variation 4292578 (VCV004292578.1).